The following is an entry in ClinVar:

ClinVar aggregate classification (germline): Likely benign (0 of 4 stars; one submission).

Conditions:
ADCY3-related disorder. Also called: ADCY3-related condition.

Allele frequency attached by ClinVar (database versions not stated): gnomAD 0.00006; ESP Exome Variant Server 0.00008.
gnomAD v4.1: 41 of 1,612,884 alleles (0.0025%); highest among the groups gnomAD compares: African/African-American, 0.019%; no homozygotes.

Submission:

PreventionGenetics, part of Exact Sciences
Classification: Likely benign for ADCY3-related condition. Last evaluated: 2020-01-27. Review status: no assertion criteria provided. Collection method: clinical testing. Allele origin: germline.
Comment: This variant is classified as likely benign based on ACMG/AMP sequence variant interpretation guidelines (Richards et al. 2015 PMID: 25741868, with internal and published modifications).

NM_004036.5(ADCY3):c.*9G>A

Genes: ADCY3 (adenylate cyclase 3; minus strand), CENPO (centromere protein O; plus strand). Cytogenetic location: 2p23.3.
Variant type: single nucleotide variant.
Coding change: c.*9G>A on transcript NM_004036.5 (MANE Select); 9 bases downstream of the stop codon, G replaced by A.
Molecular consequence: 3 prime UTR variant. On other transcripts: non-coding transcript variant (3).
Genome position (GRCh38, 1-based): chr2:24,819,923, C>T on the plus strand (G>A on the coding strand, the complement: ADCY3 is on the minus strand). VCF-style: chr2-24819923-C-T. GRCh37 (hg19) VCF-style: chr2-25042792-C-T.
Other names: c.*9G>A (NM_001320613.2, NM_001377128.1, NM_001377129.1 and 2 more transcripts); c.*185G>A (NM_001377130.1); c.*605C>T (NM_001199803.3, NM_001322101.2, NM_024322.4).
Identifiers: ClinVar variation 3051021 (VCV003051021.2), dbSNP rs201348363, ClinGen allele CA1553385.